The following is an entry in ClinVar:

ClinVar aggregate classification (germline): Uncertain significance (1 of 4 stars; one submission).

Allele frequency attached by ClinVar (database versions not stated): gnomAD exomes below 0.00001.
gnomAD v4.1: 4 of 1,614,214 alleles (0.00025%); highest among the groups gnomAD compares: Non-Finnish European, 0.00034%; no homozygotes.

Submission:

Labcorp Genetics (formerly Invitae), Labcorp
Classification: Uncertain significance. Last evaluated: 2022-11-01. Review status: criteria provided, single submitter. Criteria: Invitae Variant Classification Sherloc (09022015). Collection method: clinical testing. Allele origin: germline.
Comment: This sequence change replaces aspartic acid, which is acidic and polar, with glutamic acid, which is acidic and polar, at codon 807 of the ADAMTS18 protein (p.Asp807Glu). This variant is not present in population databases (gnomAD no frequency). This variant has not been reported in the literature in individuals affected with ADAMTS18-related conditions. Algorithms developed to predict the effect of missense changes on protein structure and function are either unavailable or do not agree on the potential impact of this missense change (SIFT: "Not Available"; PolyPhen-2: "Probably Damaging"; Align-GVGD: "Not Available"). In summary, the available evidence is currently insufficient to determine the role of this variant in disease. Therefore, it has been classified as a Variant of Uncertain Significance.

NM_199355.4(ADAMTS18):c.2421C>G (p.Asp807Glu)

Gene: ADAMTS18 (ADAM metallopeptidase with thrombospondin type 1 motif 18; minus strand). Cytogenetic location: 16q23.1.
Variant type: single nucleotide variant.
Coding change: c.2421C>G on transcript NM_199355.4 (MANE Select); coding-DNA position 2421, C replaced by G.
Protein change: p.Asp807Glu; replaces aspartic acid 807 with glutamic acid.
Molecular consequence: missense variant.
Genome position (GRCh38, 1-based): chr16:77,319,960, G>C on the plus strand (C>G on the coding strand, the complement: ADAMTS18 is on the minus strand). VCF-style: chr16-77319960-G-C. GRCh37 (hg19) VCF-style: chr16-77353857-G-C.
Other names: c.1905C>G, p.Asp635Glu (NM_001326358.2); short protein forms D635E, D807E.
Identifiers: ClinVar variation 1994646 (VCV001994646.4), dbSNP rs2543644765, ClinGen allele CA396827588.
Genomic context (GRCh38, chr16:77,319,960, plus strand): 5'-GCGGTTGAAAGAGCGCTGGTATTCAAACGTGGTCCCAGCGAAGGGGAACTCCCCAGGCCA[G>C]TCGATGCTCCAGCCCCCGGTGAGGTAATACTTTTGACTGAGGCTTCGAACTGCGAGGTAA-3'
Protein context (NP_955387.1, residues 797-817): KYYLTGGWSI[Asp807Glu]WPGEFPFAGT